The following is an entry in ClinVar:

NM_000218.3(KCNQ1):c.1499T>C (p.Ile500Thr)

Genes: KCNQ1 (potassium voltage-gated channel subfamily Q member 1; plus strand), KCNQ1OT1 (KCNQ1 opposite strand/antisense transcript 1; minus strand). Cytogenetic location: 11p15.5.
Variant type: single nucleotide variant.
Coding change: c.1499T>C on transcript NM_000218.3 (MANE Select); coding-DNA position 1499, T replaced by C.
Protein change: p.Ile500Thr; replaces isoleucine 500 with threonine.
Molecular consequence: missense variant. On other transcripts: non-coding transcript variant (1).
Genome position (GRCh38, 1-based): chr11:2,662,066, T>C. VCF-style: chr11-2662066-T-C. GRCh37 (hg19) VCF-style: chr11-2683296-T-C.
Other names: c.1403T>C, p.Ile468Thr (NM_001406836.1); c.1229T>C, p.Ile410Thr (NM_001406837.1); c.959T>C, p.Ile320Thr (NM_001406838.1); c.1118T>C, p.Ile373Thr (NM_181798.2); short protein forms I468T, I320T, I410T, I373T, I500T.
Identifiers: ClinVar variation 3004865 (VCV003004865.3), dbSNP rs2493870492, ClinGen allele CA379479803.

ClinVar aggregate classification (germline): Uncertain significance (1 of 4 stars; one submission).

Conditions:
Long QT syndrome (LQTS). Identifiers: MedGen C0023976, MeSH D008133, MONDO:0002442. Disease mechanism: loss of function. Inheritance: Various modes of inheritance.

Submission:

Labcorp Genetics (formerly Invitae), Labcorp
Classification: Uncertain significance for Long QT syndrome. Last evaluated: 2024-02-23. Review status: criteria provided, single submitter. Criteria: Invitae Variant Classification Sherloc (09022015). Collection method: clinical testing. Allele origin: germline.
Comment: This sequence change replaces isoleucine, which is neutral and non-polar, with threonine, which is neutral and polar, at codon 500 of the KCNQ1 protein (p.Ile500Thr). This variant is not present in population databases (gnomAD no frequency). This variant has not been reported in the literature in individuals affected with KCNQ1-related conditions. Advanced modeling of protein sequence and biophysical properties (such as structural, functional, and spatial information, amino acid conservation, physicochemical variation, residue mobility, and thermodynamic stability) has been performed at Invitae for this missense variant, however the output from this modeling did not meet the statistical confidence thresholds required to predict the impact of this variant on KCNQ1 protein function. In summary, the available evidence is currently insufficient to determine the role of this variant in disease. Therefore, it has been classified as a Variant of Uncertain Significance.